The following is an entry in ClinVar:

ClinVar aggregate classification (germline): Uncertain significance. Review status: criteria provided, multiple submitters, no conflicts (2 of 4 stars). 2 submissions from 2 submitters: Uncertain significance (2). Last evaluated 2024-02-26.

Submissions (2):

Labcorp Genetics (formerly Invitae), Labcorp
Classification: Uncertain significance. Last evaluated: 2024-02-26. Review status: criteria provided, single submitter. Criteria: Invitae Variant Classification Sherloc (09022015). Collection method: clinical testing. Allele origin: germline.
Comment: This sequence change replaces glutamic acid, which is acidic and polar, with lysine, which is basic and polar, at codon 799 of the ATR protein (p.Glu799Lys). This variant is not present in population databases (gnomAD no frequency). This variant has not been reported in the literature in individuals affected with ATR-related conditions. An algorithm developed to predict the effect of missense changes on protein structure and function (PolyPhen-2) suggests that this variant is likely to be tolerated. In summary, the available evidence is currently insufficient to determine the role of this variant in disease. Therefore, it has been classified as a Variant of Uncertain Significance.

Blueprint Genetics
Classification: Uncertain significance. Last evaluated: 2019-08-23. Review status: criteria provided, single submitter. Criteria: ACMG Guidelines, 2015. Collection method: clinical testing. Allele origin: germline.

NM_001184.4(ATR):c.2395G>A (p.Glu799Lys)

Gene: ATR (ATR checkpoint kinase; minus strand). Cytogenetic location: 3q23.
Variant type: single nucleotide variant.
Coding change: c.2395G>A on transcript NM_001184.4 (MANE Select); coding-DNA position 2395, G replaced by A.
Protein change: p.Glu799Lys; replaces glutamic acid 799 with lysine.
Molecular consequence: missense variant.
Genome position (GRCh38, 1-based): chr3:142,553,962, C>T on the plus strand (G>A on the coding strand, the complement: ATR is on the minus strand). VCF-style: chr3-142553962-C-T. GRCh37 (hg19) VCF-style: chr3-142272804-C-T.
Other names: c.2203G>A, p.Glu735Lys (NM_001354579.2); short protein forms E735K, E799K.
Identifiers: ClinVar variation 3722123 (VCV003722123.3).